The following is an entry in ClinVar:

NM_000159.4(GCDH):c.886G>A (p.Gly296Ser)

Gene: GCDH (glutaryl-CoA dehydrogenase; plus strand). Cytogenetic location: 19p13.13.
Variant type: single nucleotide variant.
Coding change: c.886G>A on transcript NM_000159.4 (MANE Select); coding-DNA position 886, G replaced by A.
Protein change: p.Gly296Ser; replaces glycine 296 with serine.
Molecular consequence: missense variant. On other transcripts: non-coding transcript variant (2).
Genome position (GRCh38, 1-based): chr19:12,896,943, G>A. VCF-style: chr19-12896943-G-A. GRCh37 (hg19) VCF-style: chr19-13007757-G-A.
Other names: c.886G>A, p.Gly296Ser (NM_013976.5); short protein forms G296S.
Identifiers: ClinVar variation 750633 (VCV000750633.40), dbSNP rs539505767, ClinGen allele CA9234537.

ClinVar aggregate classification (germline): Likely benign. Review status: criteria provided, multiple submitters, no conflicts (2 of 4 stars). 4 submissions from 4 submitters: Likely benign (3). 1 of the submissions does not count toward it. Last evaluated 2026-01-26.

Conditions:
Glutaric aciduria, type 1. Also called: Glutaricacidemia Type 1; Glutaricaciduria, type I; Glutaric Acidemia Type 1; GA I; Glutaric acidemia type I; Glutaryl-CoA dehydrogenase deficiency. Identifiers: Orphanet 25, MedGen C0268595, MONDO:0009281, OMIM 231670.

Allele frequency attached by ClinVar (database versions not stated): gnomAD 0.00009 and 0.00017; TOPMed 0.00011; gnomAD exomes 0.00021 and 0.00048; ExAC 0.00056; 1000 Genomes Project 0.00100; 1000 Genomes Project 30x 0.00156.

Submissions (4):

Labcorp Genetics (formerly Invitae), Labcorp
Classification: Likely benign for Glutaric aciduria, type 1. Last evaluated: 2026-01-26. Review status: criteria provided, single submitter. Criteria: Invitae Variant Classification Sherloc (09022015). Collection method: clinical testing. Allele origin: germline.

CeGaT Center for Human Genetics Tuebingen
Classification: Likely benign. Last evaluated: 2023-04-01. Review status: criteria provided, single submitter. Criteria: CeGaT Center For Human Genetics Tuebingen Variant Classification Criteria Version 2. Collection method: clinical testing. Allele origin: germline. Affected: yes. Observed: 1 variant allele.
Comment: GCDH: BS2

GeneDx
Classification: Likely benign. Last evaluated: 2020-05-12. Review status: criteria provided, single submitter. Criteria: GeneDx Variant Classification Process June 2021. Collection method: clinical testing. Allele origin: germline. Affected: yes.
Comment: This variant is associated with the following publications: (PMID: 26805784)

Natera, Inc.
Classification: Benign for Glutaric acidemia type 1. Last evaluated: 2020-02-10. Review status: no assertion criteria provided. Collection method: clinical testing. Allele origin: germline. Not counted in ClinVar's aggregate classification.